The following is an entry in ClinVar:

ClinVar aggregate classification (germline): Likely pathogenic (1 of 4 stars; one submission).

Conditions:
Primary dilated cardiomyopathy (DCM). Also called: Dilated Cardiomyopathy. Identifiers: Orphanet 217604, MedGen C0007193, MeSH D002311, MONDO:0005021, HP:0001644. Inheritance: Various modes of inheritance.

Submission:

Molecular Genetics, Royal Melbourne Hospital
Classification: Likely pathogenic for Primary dilated cardiomyopathy. Last evaluated: 2024-11-04. Review status: criteria provided, single submitter. Criteria: ACMG Guidelines, 2015. Collection method: clinical testing. Allele origin: germline. Inheritance: Autosomal dominant inheritance. Affected: yes.
Comment: This sequence change in TTN is a frameshift variant predicted to cause a premature stop codon, p.(Leu21000Trpfs*24), in constitutively expressed exon 304 (percentage splice in, PSI, 100%) in the A-band. High PSI truncating variants in TTN are significantly associated with dilated cardiomyopathy (PMID: 25589632, 31216868). This variant is absent from the population database gnomAD v4.1. To our knowledge, this variant is novel and has not been previously reported in the relevant scientific literature or databases. Based on the classification scheme RMH Modified ACMG/AMP Guidelines v1.7.0, this variant is classified as LIKELY PATHOGENIC. Following criteria are met: PVS1, PM2_Supporting.

Literature cited by the submitters: PubMed 25589632; PubMed 31216868.

NM_001267550.2(TTN):c.62999del (p.Leu21000fs)

Genes: TTN (titin; minus strand), TTN-AS1 (TTN antisense RNA 1; plus strand). Cytogenetic location: 2q31.2.
Variant type: Deletion.
Coding change: c.62999del on transcript NM_001267550.2 (MANE Select); coding-DNA position 62999, one base deleted (T; older notation c.62999delT).
Protein change: p.Leu21000fs; shifts the reading frame from leucine 21000.
Molecular consequence: frameshift variant.
Genome position (GRCh38, 1-based): chr2:178,588,726, A deleted on the plus strand (T on the coding strand, the reverse complement: TTN is on the minus strand); the first of 5 consecutive A bases (chr2:178,588,726-178,588,730); deleting any one gives the same sequence. VCF-style (leftmost placement, unchanged base first): chr2-178588725-CA-C. GRCh37 (hg19) VCF-style: chr2-179453452-CA-C.
Other names: c.58076del, p.Leu19359fs (NM_001256850.1); c.35804del, p.Leu11935fs (NM_003319.4); c.55295del, p.Leu18432fs (NM_133378.4); c.36179del, p.Leu12060fs (NM_133432.3); c.36380del, p.Leu12127fs (NM_133437.4); c.62999delT (NM_001267550.2); short protein forms L11935fs, L12060fs, L12127fs, L18432fs, L19359fs, L21000fs.
Identifiers: ClinVar variation 3773802 (VCV003773802.1).